The following is an entry in ClinVar:

NM_000202.8(IDS):c.1439C>A (p.Pro480Gln)

Gene: IDS (iduronate 2-sulfatase; minus strand). Cytogenetic location: Xq28.
Variant type: single nucleotide variant.
Coding change: c.1439C>A on transcript NM_000202.8 (MANE Select); coding-DNA position 1439, C replaced by A.
Protein change: p.Pro480Gln; replaces proline 480 with glutamine.
Molecular consequence: missense variant.
Genome position (GRCh38, 1-based): chrX:149,482,960, G>T on the plus strand (C>A on the coding strand, the complement: IDS is on the minus strand). VCF-style: chrX-149482960-G-T. GRCh37 (hg19) VCF-style: chrX-148564491-G-T.
Other names: c.1169C>A, p.Pro390Gln (NM_001166550.4); short protein forms P390Q, P480Q.
Identifiers: ClinVar variation 3256062 (VCV003256062.2).

ClinVar aggregate classification (germline): Pathogenic (1 of 4 stars; one submission).

Conditions:
Mucopolysaccharidosis, MPS-II (MPS2). Also called: Hunter Syndrome; IDURONATE 2-SULFATASE DEFICIENCY; Mucopolysaccharidosis Type II; Mucopolysaccharidosis type 2; Attenuated MPS (subtype; formerly known as mild MPS II); Severe MPS II. Identifiers: Orphanet 580, Orphanet 79388, MedGen C0026705, MONDO:0010674, OMIM 309900.

Submission:

Laboratory of Diagnosis and Therapy of Lysosomal Disorders, University of Padova
Classification: Pathogenic for Mucopolysaccharidosis, MPS-II. Last evaluated: 2024-06-07. Review status: criteria provided, single submitter. Criteria: ACMG Guidelines, 2015. Collection method: literature only. Allele origin: germline. Affected: yes. Observed: 2 variant alleles.
Comment: In vitro or in vivo functional studies supportive of a damaging effect (PS3_Moderate), Absent from controls (or at low frequency) in gnomAD database (PM2_Moderate), Missense variant in a gene with a low rate of benign missense variation (PP2_Supporting), Multiple lines of computational evidence support a deleterious effect (PP3_Supporting), Patient’s phenotype or family history highly specific for the disease (PP4_Strong)

Classification method: ACMG Guidelines [PMID:25741868] with modifications

Literature cited by the submitters: PubMed 9660053; PubMed 9573369.